The following is an entry in ClinVar:

NM_003982.4(SLC7A7):c.1460del (p.Cys487fs)

Gene: SLC7A7 (solute carrier family 7 member 7; minus strand). Cytogenetic location: 14q11.2.
Variant type: Deletion.
Coding change: c.1460del on transcript NM_003982.4 (MANE Select); coding-DNA position 1460, one base deleted (G; older notation c.1460delG).
Protein change: p.Cys487fs; shifts the reading frame from cysteine 487.
Molecular consequence: frameshift variant.
Genome position (GRCh38, 1-based): chr14:22,773,686, C deleted on the plus strand (G on the coding strand, the reverse complement: SLC7A7 is on the minus strand). VCF-style (leftmost placement, unchanged base first): chr14-22773685-AC-A. GRCh37 (hg19) VCF-style: chr14-23242894-AC-A.
Other names: c.1460delG (NM_001126105.2, NM_001126106.2); c.1460del, p.Cys487fs (NM_001126105.3, NM_001126106.4); short protein forms C487fs.
Identifiers: ClinVar variation 56361 (VCV000056361.11), dbSNP rs386833809, ClinGen allele CA263800.
Genomic context (GRCh38, chr14:22,773,685, plus strand): 5'-ATCCCGTTGCTTGGGCATCTCTCCTCCATCTTCCAAATCCATTTCTGCAGCAACTGACAT[AC>A]ACAGGACCTGGAGGTACCTTGTGGCAGACCCTACAAAGAGAACTTTGAGTTGGAATTGAG-3'

ClinVar aggregate classification (germline): Likely pathogenic. Review status: criteria provided, single submitter (1 of 4 stars). 3 submissions from 3 submitters: Likely pathogenic (1). 2 of the submissions do not count toward it. Last evaluated 2024-01-16.

Conditions:
Lysinuric protein intolerance (LPI). Identifiers: Orphanet 470, MedGen C0268647, MONDO:0009109, OMIM 222700.

Allele frequency attached by ClinVar (database versions not stated): gnomAD exomes below 0.00001 and 0.00001; TOPMed 0.00003; ExAC 0.00002; ESP Exome Variant Server 0.00016; gnomAD 0.00002.

Submissions (3):

Labcorp Genetics (formerly Invitae), Labcorp
Classification: Likely pathogenic for Lysinuric protein intolerance. Last evaluated: 2024-01-16. Review status: criteria provided, single submitter. Criteria: Invitae Variant Classification Sherloc (09022015). Collection method: clinical testing. Allele origin: germline.
Comment: This sequence change creates a premature translational stop signal (p.Cys487Leufs*32) in the SLC7A7 gene. While this is not anticipated to result in nonsense mediated decay, it is expected to disrupt the last 25 amino acid(s) of the SLC7A7 protein. This variant is present in population databases (rs386833809, gnomAD 0.004%). This premature translational stop signal has been observed in individuals with lysinuric protein intolerance (PMID: 10655553). This variant is also known as 1746delG. ClinVar contains an entry for this variant (Variation ID: 56361). This variant disrupts a region of the SLC7A7 protein in which other variant(s) (p.Ser489Pro) have been observed in individuals with SLC7A7-related conditions (PMID: 12402335). This suggests that this is a clinically significant region of the protein, and that variants that disrupt it are likely to be disease-causing. In summary, the currently available evidence indicates that the variant is pathogenic, but additional data are needed to prove that conclusively. Therefore, this variant has been classified as Likely Pathogenic.

Natera, Inc.
Classification: Likely pathogenic for Lysinuric protein intolerance. Last evaluated: 2020-09-16. Review status: no assertion criteria provided. Collection method: clinical testing. Allele origin: germline. Not counted in ClinVar's aggregate classification.

Juha Muilu Group; Institute for Molecular Medicine Finland (FIMM)
Classification: Likely pathogenic for Lysinuric protein intolerance. Review status: no assertion criteria provided. Collection method: not provided. Allele origin: unknown. Not counted in ClinVar's aggregate classification.
Comment: FinDis database variant: This variant was not found or characterized by our laboratory, data were collected from public sources: see reference
ClinVar note: Converted during submission from probable-pathogenic to Likely pathogenic.

Literature cited by the submitters: PubMed 10655553 (cited by Labcorp Genetics (formerly Invitae), Labcorp); PubMed 12402335 (cited by Labcorp Genetics (formerly Invitae), Labcorp).